The following is an entry in ClinVar:

NM_013444.4(UBQLN2):c.724G>A (p.Ala242Thr)

Genes: UBQLN2 (ubiquilin 2; plus strand), LOC130068340 (ATAC-STARR-seq lymphoblastoid active region 29688; plus strand). Cytogenetic location: Xp11.21.
Variant type: single nucleotide variant.
Coding change: c.724G>A on transcript NM_013444.4 (MANE Select); coding-DNA position 724, G replaced by A.
Protein change: p.Ala242Thr; replaces alanine 242 with threonine.
Molecular consequence: missense variant.
Genome position (GRCh38, 1-based): chrX:56,564,597, G>A. VCF-style: chrX-56564597-G-A. GRCh37 (hg19) VCF-style: chrX-56591030-G-A.
Other names: short protein forms A242T.
Identifiers: ClinVar variation 1178345 (VCV001178345.9), dbSNP rs1360902821, ClinGen allele CA413378993.

ClinVar aggregate classification (germline): Conflicting classifications of pathogenicity. Review status: criteria provided, conflicting classifications (1 of 4 stars). 2 submissions from 2 submitters: Pathogenic (1); Uncertain significance (1). Last evaluated 2022-09-23.

Conditions:
Amyotrophic lateral sclerosis type 15. Also called: AMYOTROPHIC LATERAL SCLEROSIS 15 WITH FRONTOTEMPORAL DEMENTIA. Identifiers: Orphanet 803, MedGen C3275459, MONDO:0010459, OMIM 300857.

Submissions (2):

Labcorp Genetics (formerly Invitae), Labcorp
Classification: Uncertain significance for Amyotrophic lateral sclerosis type 15. Last evaluated: 2022-09-23. Review status: criteria provided, single submitter. Criteria: Invitae Variant Classification Sherloc (09022015). Collection method: clinical testing. Allele origin: germline.
Comment: ClinVar contains an entry for this variant (Variation ID: 1178345). In summary, the available evidence is currently insufficient to determine the role of this variant in disease. Therefore, it has been classified as a Variant of Uncertain Significance. Advanced modeling of protein sequence and biophysical properties (such as structural, functional, and spatial information, amino acid conservation, physicochemical variation, residue mobility, and thermodynamic stability) performed at Invitae indicates that this missense variant is not expected to disrupt UBQLN2 protein function. This variant has not been reported in the literature in individuals affected with UBQLN2-related conditions. This variant is not present in population databases (gnomAD no frequency). This sequence change replaces alanine, which is neutral and non-polar, with threonine, which is neutral and polar, at codon 242 of the UBQLN2 protein (p.Ala242Thr).

Kosik Lab, Neuroscience Research Institute, University of California Santa Barbara
Classification: Pathogenic for Amyotrophic lateral sclerosis type 15. Last evaluated: 2021-06-01. Review status: criteria provided, single submitter. Criteria: ACMG Guidelines, 2015. Collection method: case-control. Allele origin: inherited. Inheritance: X-linked inheritance. Affected: yes. Observed: 3 variant alleles. Study: TANGL.
Comment: Segregates with illness in the family where it was identified. ACMG criteria classifies the variant as Pathogenic (PS4, PP1-S, PM1, PM2, PP1-M, PP1, PP2, PP3, PP4)

Literature cited by the submitters: PubMed 21857683 (cited by Kosik Lab, Neuroscience Research Institute, University of California Santa Barbara).